The following is an entry in ClinVar:

NM_001377295.2(GNAT2):c.310G>A (p.Gly104Arg)

Gene: GNAT2 (G protein subunit alpha transducin 2; minus strand). Cytogenetic location: 1p13.3.
Variant type: single nucleotide variant.
Coding change: c.310G>A on transcript NM_001377295.2 (MANE Select); coding-DNA position 310, G replaced by A.
Protein change: p.Gly104Arg; replaces glycine 104 with arginine.
Molecular consequence: missense variant.
Genome position (GRCh38, 1-based): chr1:109,608,782, C>T on the plus strand (G>A on the coding strand, the complement: GNAT2 is on the minus strand). VCF-style: chr1-109608782-C-T. GRCh37 (hg19) VCF-style: chr1-110151404-C-T.
Other names: c.310G>A, p.Gly104Arg (NM_001379232.1, NM_005272.5); short protein forms G104R.
Identifiers: ClinVar variation 1477291 (VCV001477291.7), dbSNP rs145002495, ClinGen allele CA992454.

ClinVar aggregate classification (germline): Uncertain significance. Review status: criteria provided, multiple submitters, no conflicts (2 of 4 stars). 3 submissions from 3 submitters: Uncertain significance (3). Last evaluated 2023-06-26.

Allele frequency attached by ClinVar (database versions not stated): gnomAD exomes 0.00002 and 0.00005; ExAC 0.00004; ESP Exome Variant Server 0.00015; gnomAD 0.00015 and 0.00018; 1000 Genomes Project 30x 0.00016; TOPMed 0.00018; 1000 Genomes Project 0.00020.
gnomAD v4.1: 60 of 1,613,788 alleles (0.0037%); highest among the groups gnomAD compares: African/African-American, 0.045%; no homozygotes.

Submissions (3):

Blueprint Genetics
Classification: Uncertain significance. Last evaluated: 2023-06-26. Review status: criteria provided, single submitter. Criteria: ACMG Guidelines, 2015. Collection method: clinical testing. Allele origin: germline.

Labcorp Genetics (formerly Invitae), Labcorp
Classification: Uncertain significance. Last evaluated: 2022-08-23. Review status: criteria provided, single submitter. Criteria: Invitae Variant Classification Sherloc (09022015). Collection method: clinical testing. Allele origin: germline.
Comment: This sequence change replaces glycine, which is neutral and non-polar, with arginine, which is basic and polar, at codon 104 of the GNAT2 protein (p.Gly104Arg). This variant is present in population databases (rs145002495, gnomAD 0.04%). This variant has not been reported in the literature in individuals affected with GNAT2-related conditions. ClinVar contains an entry for this variant (Variation ID: 1477291). Advanced modeling of protein sequence and biophysical properties (such as structural, functional, and spatial information, amino acid conservation, physicochemical variation, residue mobility, and thermodynamic stability) performed at Invitae indicates that this missense variant is not expected to disrupt GNAT2 protein function. In summary, the available evidence is currently insufficient to determine the role of this variant in disease. Therefore, it has been classified as a Variant of Uncertain Significance.

Breakthrough Genomics
Classification: Uncertain significance. Review status: criteria provided, single submitter. Criteria: ACMG Guidelines, 2015. Collection method: not provided. Allele origin: germline. Inheritance: Unknown mechanism. Affected: yes.